The following is an entry in ClinVar:

NM_006785.4(MALT1):c.1060C>T (p.Arg354Trp)

Gene: MALT1 (MALT1 paracaspase; plus strand). Cytogenetic location: 18q21.32.
Variant type: single nucleotide variant.
Coding change: c.1060C>T on transcript NM_006785.4 (MANE Select); coding-DNA position 1060, C replaced by T.
Protein change: p.Arg354Trp; replaces arginine 354 with tryptophan.
Molecular consequence: missense variant.
Genome position (GRCh38, 1-based): chr18:58,723,089, C>T. VCF-style: chr18-58723089-C-T. GRCh37 (hg19) VCF-style: chr18-56390321-C-T.
Other names: c.1027C>T, p.Arg343Trp (NM_173844.3); short protein forms R343W, R354W.
Identifiers: ClinVar variation 2197644 (VCV002197644.3), dbSNP rs376937708, ClinGen allele CA8977828.

ClinVar aggregate classification (germline): Uncertain significance (1 of 4 stars; one submission).

Conditions:
Combined immunodeficiency due to MALT1 deficiency. Also called: Immunodeficiency 12. Identifiers: Orphanet 397964, MedGen C3809583, MONDO:0014197, OMIM 615468.

Allele frequency attached by ClinVar (database versions not stated): ExAC 0.00003; TOPMed 0.00005; gnomAD 0.00008; 1000 Genomes Project 30x 0.00016; 1000 Genomes Project 0.00020.
gnomAD v4.1: 32 of 1,613,496 alleles (0.002%); highest among the groups gnomAD compares: Admixed American, 0.015%; 1 homozygote.

Submission:

Labcorp Genetics (formerly Invitae), Labcorp
Classification: Uncertain significance for Combined immunodeficiency due to MALT1 deficiency. Last evaluated: 2022-02-02. Review status: criteria provided, single submitter. Criteria: Invitae Variant Classification Sherloc (09022015). Collection method: clinical testing. Allele origin: germline.
Comment: In summary, the available evidence is currently insufficient to determine the role of this variant in disease. Therefore, it has been classified as a Variant of Uncertain Significance. Algorithms developed to predict the effect of missense changes on protein structure and function output the following: SIFT: "Deleterious"; PolyPhen-2: "Benign"; Align-GVGD: "Class C0". The tryptophan amino acid residue is found in multiple mammalian species, which suggests that this missense change does not adversely affect protein function. This variant has not been reported in the literature in individuals affected with MALT1-related conditions. This variant is present in population databases (rs376937708, gnomAD 0.02%), including at least one homozygous and/or hemizygous individual. This sequence change replaces arginine, which is basic and polar, with tryptophan, which is neutral and slightly polar, at codon 354 of the MALT1 protein (p.Arg354Trp).